The following is an entry in ClinVar:

ClinVar aggregate classification (germline): Likely benign. Review status: criteria provided, multiple submitters, no conflicts (2 of 4 stars). 4 submissions from 4 submitters: Likely benign (4). Last evaluated 2025-10-26.

Conditions:
Developmental and epileptic encephalopathy, 27 (DEE27). Also called: GRIN2B-Related Neurodevelopmental Disorder; Epileptic encephalopathy, early infantile, 27. Identifiers: Orphanet 3451, MedGen C4015316, MONDO:0014505, OMIM 616139.
Intellectual developmental disorder, autosomal dominant 6, with or without seizures. Also called: GRIN2B-related developmental delay, intellectual disability and autism spectrum disorder; Intellectual disability, autosomal dominant 6. Identifiers: Orphanet 589547, MedGen C3151411, MONDO:0013509, OMIM 613970.
Inborn genetic diseases. Identifiers: MedGen C0950123, MeSH D030342.

Allele frequency attached by ClinVar (database versions not stated): TOPMed 0.00002; ExAC 0.00003; 1000 Genomes Project 30x 0.00016; 1000 Genomes Project 0.00020; gnomAD 0.00001 and 0.00004; gnomAD exomes 0.00004 and 0.00002.
gnomAD v4.1: 44 of 1,613,706 alleles (0.0027%); highest among the groups gnomAD compares: South Asian, 0.034%; 1 homozygote.

Submissions (4):

Labcorp Genetics (formerly Invitae), Labcorp
Classification: Likely benign for Developmental and epileptic encephalopathy, 27; Intellectual developmental disorder, autosomal dominant 6, with or without seizures. Last evaluated: 2025-10-26. Review status: criteria provided, single submitter. Criteria: Invitae Variant Classification Sherloc (09022015). Collection method: clinical testing. Allele origin: germline.

CeGaT Center for Human Genetics Tuebingen
Classification: Likely benign. Last evaluated: 2025-01-01. Review status: criteria provided, single submitter. Criteria: CeGaT Center For Human Genetics Tuebingen Variant Classification Criteria Version 2. Collection method: clinical testing. Allele origin: germline. Affected: yes. Observed: 1 variant allele.
Comment: GRIN2B: BP4, BP7

GeneDx
Classification: Likely benign. Last evaluated: 2017-07-21. Review status: criteria provided, single submitter. Criteria: GeneDx Variant Classification (06012015). Collection method: clinical testing. Allele origin: germline. Affected: yes.
Comment: This variant is considered likely benign or benign based on one or more of the following criteria: it is a conservative change, it occurs at a poorly conserved position in the protein, it is predicted to be benign by multiple in silico algorithms, and/or has population frequency not consistent with disease.

Ambry Genetics
Classification: Likely benign for Inborn genetic diseases. Last evaluated: 2017-01-09. Review status: criteria provided, single submitter. Criteria: Ambry Variant Classification Scheme 2023. Collection method: clinical testing. Allele origin: germline.

NM_000834.5(GRIN2B):c.1560G>A (p.Ser520=)

Gene: GRIN2B (glutamate ionotropic receptor NMDA type subunit 2B; minus strand). Cytogenetic location: 12p13.1.
Variant type: single nucleotide variant.
Coding change: c.1560G>A on transcript NM_000834.5 (MANE Select); coding-DNA position 1560, G replaced by A.
Protein change: p.Ser520=; no amino-acid change (serine 520 retained).
Molecular consequence: synonymous variant.
Genome position (GRCh38, 1-based): chr12:13,615,208, C>T on the plus strand (G>A on the coding strand, the complement: GRIN2B is on the minus strand). VCF-style: chr12-13615208-C-T. GRCh37 (hg19) VCF-style: chr12-13768142-C-T.
Identifiers: ClinVar variation 510889 (VCV000510889.29), dbSNP rs566776310, ClinGen allele CA6461219.
Genomic context (GRCh38, chr12:13,615,208, plus strand): 5'-GCGTGACACCATGACACTGATGCCTGTCTCTATGAAGGGCACAGAGAAGTCGACCACCTC[C>T]GATCGTTCCTCATTGATGGTGAGTGAGCCCACTGCCATGTAGGCCCTCTTCATGACCACC-3'
Protein context (NP_000825.2, residues 510-530): VGSLTINEER[Ser520=]EVVDFSVPFI